The following is an entry in ClinVar:

NM_001282933.2(ZNF341):c.875C>T (p.Thr292Ile)

Gene: ZNF341 (zinc finger protein 341; plus strand). Cytogenetic location: 20q11.22.
Variant type: single nucleotide variant.
Coding change: c.875C>T on transcript NM_001282933.2 (MANE Select); coding-DNA position 875, C replaced by T.
Protein change: p.Thr292Ile; replaces threonine 292 with isoleucine.
Molecular consequence: missense variant. On other transcripts: non-coding transcript variant (1).
Genome position (GRCh38, 1-based): chr20:33,757,281, C>T. VCF-style: chr20-33757281-C-T. GRCh37 (hg19) VCF-style: chr20-32345087-C-T.
Other names: c.605C>T, p.Thr202Ile (NM_001282935.2); c.875C>T, p.Thr292Ile (NM_032819.5); c.875C>T (NM_032819.3); short protein forms T202I, T292I.
Identifiers: ClinVar variation 1964890 (VCV001964890.5), dbSNP rs1285302364, ClinGen allele CA408651717.

ClinVar aggregate classification (germline): Uncertain significance. Review status: criteria provided, multiple submitters, no conflicts (2 of 4 stars). 3 submissions from 3 submitters: Uncertain significance (3). Last evaluated 2025-05-28.

Allele frequency attached by ClinVar (database versions not stated): gnomAD 0.00001; TOPMed 0.00001.
gnomAD v4.1: 3 of 1,604,738 alleles (0.00019%); highest among the groups gnomAD compares: Non-Finnish European, 0.00026%; no homozygotes.

Submissions (3):

Ambry Genetics
Classification: Uncertain significance. Last evaluated: 2025-05-28. Review status: criteria provided, single submitter. Criteria: Ambry Variant Classification Scheme 2023. Collection method: clinical testing. Allele origin: germline.

Labcorp Genetics (formerly Invitae), Labcorp
Classification: Uncertain significance. Last evaluated: 2022-01-31. Review status: criteria provided, single submitter. Criteria: Invitae Variant Classification Sherloc (09022015). Collection method: clinical testing. Allele origin: germline.
Comment: In summary, the available evidence is currently insufficient to determine the role of this variant in disease. Therefore, it has been classified as a Variant of Uncertain Significance. Algorithms developed to predict the effect of missense changes on protein structure and function (SIFT, PolyPhen-2, Align-GVGD) all suggest that this variant is likely to be tolerated. This variant has not been reported in the literature in individuals affected with ZNF341-related conditions. This variant is not present in population databases (gnomAD no frequency). This sequence change replaces threonine, which is neutral and polar, with isoleucine, which is neutral and non-polar, at codon 292 of the ZNF341 protein (p.Thr292Ile).

Blueprint Genetics
Classification: Uncertain significance. Last evaluated: 2020-02-14. Review status: criteria provided, single submitter. Criteria: ACMG Guidelines, 2015. Collection method: clinical testing. Allele origin: germline.